The following is an entry in ClinVar:

NM_017777.4(MKS1):c.1136C>G (p.Ala379Gly)

Gene: MKS1 (MKS transition zone complex subunit 1; minus strand). Cytogenetic location: 17q22.
Variant type: single nucleotide variant.
Coding change: c.1136C>G on transcript NM_017777.4 (MANE Select); coding-DNA position 1136, C replaced by G.
Protein change: p.Ala379Gly; replaces alanine 379 with glycine.
Molecular consequence: missense variant.
Genome position (GRCh38, 1-based): chr17:58,208,134, G>C on the plus strand (C>G on the coding strand, the complement: MKS1 is on the minus strand). VCF-style: chr17-58208134-G-C. GRCh37 (hg19) VCF-style: chr17-56285495-G-C.
Other names: c.527C>G, p.Ala176Gly (NM_001321268.2); c.1136C>G, p.Ala379Gly (NM_001321269.2, NM_001330397.2, NM_001411113.1); short protein forms A176G, A379G.
Identifiers: ClinVar variation 3348096 (VCV003348096.1).

ClinVar aggregate classification (germline): Uncertain significance (0 of 4 stars; one submission).

Conditions:
MKS1-related disorder. Also called: MKS1-related condition; MKS1-related disorders. Identifiers: MedGen CN239382.

gnomAD v4.1: 1 of 1,613,972 alleles (0.000062%); highest among the groups gnomAD compares: Middle Eastern, 0.016%; no homozygotes.

Submission:

PreventionGenetics, part of Exact Sciences
Classification: Uncertain significance for MKS1-related condition. Last evaluated: 2024-04-15. Review status: no assertion criteria provided. Collection method: clinical testing. Allele origin: germline.
Comment: The MKS1 c.1136C>G variant is predicted to result in the amino acid substitution p.Ala379Gly. This variant was reported in an individual with Bardet-Biedl syndrome (Table S4, Perea-Romero et al 2022. PubMed ID: 35835773). This variant has not been reported in a large population database, indicating this variant is rare. At this time, the clinical significance of this variant is uncertain due to the absence of conclusive functional and genetic evidence.